The following is an entry in ClinVar:

ClinVar aggregate classification (germline): Pathogenic/Likely pathogenic. Review status: criteria provided, multiple submitters, no conflicts (2 of 4 stars). 2 submissions from 2 submitters: Pathogenic (1); Likely pathogenic (1). Last evaluated 2025-08-01.

Conditions:
Intellectual developmental disorder, autosomal dominant 55, with seizures. Also called: MENTAL RETARDATION, AUTOSOMAL DOMINANT 55, WITH SEIZURES; Intellectual disability, autosomal dominant 55, with seizures. Identifiers: MedGen C4693371, MONDO:0030921, OMIM 617831.

Submissions (2):

Division of Genetic & Genomic Pathology, Hong Kong Children's Hospital
Classification: Likely pathogenic for Intellectual developmental disorder, autosomal dominant 55, with seizures. Last evaluated: 2025-08-01. Review status: criteria provided, single submitter. Criteria: ACMG Guidelines, 2015. Collection method: clinical testing. Allele origin: germline. Affected: yes.
Comment: The NUS1 c.328C>T p.(Gln110Ter) variant creates a premature stop codon in exon 1 (out of 5 exons). It is predicted to result in loss of protein function by nonsense-mediated mRNA decay. The variant is absent in control populations (gnomAD v.2.1.1 and gnomAD v.4.1.0). The variant has been reported as pathogenic by a single submitter in ClinVar but no details were provided (ClinVar accession: VCV002430036.2). Since loss-of-function is the known disease mechanism for the gene, the variant is classified as likely pathogenic (PMID: 29100083, 31656175; ClinGen Curation ID: 007585).

Department of Genetics, Rouen University Hospital, Normandy Center for Genomic and Personalized Medicine
Classification: Pathogenic for Intellectual developmental disorder, autosomal dominant 55, with seizures. Last evaluated: 2022-06-27. Review status: criteria provided, single submitter. Criteria: ACMG Guidelines, 2015. Collection method: clinical testing. Allele origin: maternal. Affected: yes.

Literature cited by the submitters: PubMed 29100083 (cited by Division of Genetic & Genomic Pathology, Hong Kong Children's Hospital); PubMed 31656175 (cited by Division of Genetic & Genomic Pathology, Hong Kong Children's Hospital).

NM_138459.5(NUS1):c.328C>T (p.Gln110Ter)

Gene: NUS1 (NUS1 dehydrodolichyl diphosphate synthase subunit; plus strand). Cytogenetic location: 6q22.1.
Variant type: single nucleotide variant.
Coding change: c.328C>T on transcript NM_138459.5 (MANE Select); coding-DNA position 328, C replaced by T.
Protein change: p.Gln110Ter; replaces glutamine 110 with a stop codon.
Molecular consequence: nonsense.
Genome position (GRCh38, 1-based): chr6:117,675,998, C>T. VCF-style: chr6-117675998-C-T. GRCh37 (hg19) VCF-style: chr6-117997161-C-T.
Other names: short protein forms Q110*.
Identifiers: ClinVar variation 2430036 (VCV002430036.3), dbSNP rs2481983720, ClinGen allele CA365536375.